The following is an entry in ClinVar:

NM_001267550.2(TTN):c.18028G>A (p.Glu6010Lys)

Gene: TTN (titin; minus strand). Cytogenetic location: 2q31.2.
Variant type: single nucleotide variant.
Coding change: c.18028G>A on transcript NM_001267550.2 (MANE Select); coding-DNA position 18028, G replaced by A.
Protein change: p.Glu6010Lys; replaces glutamic acid 6010 with lysine.
Molecular consequence: missense variant. On other transcripts: intron variant (3).
Genome position (GRCh38, 1-based): chr2:178,730,505, C>T on the plus strand (G>A on the coding strand, the complement: TTN is on the minus strand). VCF-style: chr2-178730505-C-T. GRCh37 (hg19) VCF-style: chr2-179595232-C-T.
Other names: c.17077G>A, p.Glu5693Lys (NM_001256850.1); c.14296G>A, p.Glu4766Lys (NM_133378.4); c.13282+7577G>A (NM_003319.4); c.13858+7577G>A (NM_133437.4); c.13657+7577G>A (NM_133432.3); short protein forms E4766K, E5693K, E6010K.
Identifiers: ClinVar variation 3778248 (VCV003778248.7).

ClinVar aggregate classification (germline): Uncertain significance (1 of 4 stars; one submission).

Submission:

CeGaT Center for Human Genetics Tuebingen
Classification: Uncertain significance. Last evaluated: 2025-03-01. Review status: criteria provided, single submitter. Criteria: CeGaT Center For Human Genetics Tuebingen Variant Classification Criteria Version 2. Collection method: clinical testing. Allele origin: germline. Affected: yes. Observed: 1 variant allele.
Comment: TTN: PM2, PP3